The following is an entry in ClinVar:

ClinVar aggregate classification (germline): Uncertain significance (1 of 4 stars; one submission).

Submission:

Labcorp Genetics (formerly Invitae), Labcorp
Classification: Uncertain significance. Last evaluated: 2022-04-22. Review status: criteria provided, single submitter. Criteria: Invitae Variant Classification Sherloc (09022015). Collection method: clinical testing. Allele origin: germline.
Comment: In summary, the available evidence is currently insufficient to determine the role of this variant in disease. Therefore, it has been classified as a Variant of Uncertain Significance. Algorithms developed to predict the effect of missense changes on protein structure and function are either unavailable or do not agree on the potential impact of this missense change (SIFT: "Deleterious"; PolyPhen-2: "Probably Damaging"; Align-GVGD: "Class C15"). This variant has not been reported in the literature in individuals affected with DHX38-related conditions. This variant is not present in population databases (gnomAD no frequency). This sequence change replaces threonine, which is neutral and polar, with arginine, which is basic and polar, at codon 860 of the DHX38 protein (p.Thr860Arg).

NM_014003.4(DHX38):c.2579C>G (p.Thr860Arg)

Gene: DHX38 (DEAH-box helicase 38; plus strand). Cytogenetic location: 16q22.2.
Variant type: single nucleotide variant.
Coding change: c.2579C>G on transcript NM_014003.4 (MANE Select); coding-DNA position 2579, C replaced by G.
Protein change: p.Thr860Arg; replaces threonine 860 with arginine.
Molecular consequence: missense variant.
Genome position (GRCh38, 1-based): chr16:72,106,096, C>G. VCF-style: chr16-72106096-C-G. GRCh37 (hg19) VCF-style: chr16-72139995-C-G.
Other names: short protein forms T860R.
Identifiers: ClinVar variation 1407499 (VCV001407499.6), dbSNP rs372311072, ClinGen allele CA396713149.
Genomic context (GRCh38, chr16:72,106,096, plus strand): 5'-TGCAGATCTATCCCATTAGCCAGGCCAATGCCAACCAGCGGTCAGGGCGAGCCGGCAGGA[C>G]GGGCCCAGGTCAGTGTTTCAGGTAGGAGCCCTGTGCTAGCCTGCTTTCTGGGGCAGCGCT-3'
Protein context (NP_054722.2, residues 850-870): ANQRSGRAGR[Thr860Arg]GPGQCFRLYT